The following is an entry in ClinVar:

NM_005219.5(DIAPH1):c.1732A>G (p.Ser578Gly)

Gene: DIAPH1 (diaphanous related formin 1; minus strand). Cytogenetic location: 5q31.3.
Variant type: single nucleotide variant.
Coding change: c.1732A>G on transcript NM_005219.5 (MANE Select); coding-DNA position 1732, A replaced by G.
Protein change: p.Ser578Gly; replaces serine 578 with glycine.
Molecular consequence: missense variant.
Genome position (GRCh38, 1-based): chr5:141,574,118, T>C on the plus strand (A>G on the coding strand, the complement: DIAPH1 is on the minus strand). VCF-style: chr5-141574118-T-C. GRCh37 (hg19) VCF-style: chr5-140953685-T-C.
Other names: c.1705A>G, p.Ser569Gly (NM_001079812.3); c.1732A>G, p.Ser578Gly (NM_001314007.2); short protein forms S569G, S578G.
Identifiers: ClinVar variation 1045305 (VCV001045305.9), dbSNP rs762375683, ClinGen allele CA3479225.

ClinVar aggregate classification (germline): Uncertain significance (1 of 4 stars; one submission).

Conditions:
Autosomal dominant nonsyndromic hearing loss 1. Also called: KONIGSMARK SYNDROME; DEAFNESS, AUTOSOMAL DOMINANT 1, WITH OR WITHOUT THROMBOCYTOPENIA. Identifiers: Orphanet 90635, MedGen C1852282, MONDO:0007424, OMIM 124900.
Progressive microcephaly-seizures-cortical blindness-developmental delay syndrome. Also called: Seizures, cortical blindness, and microcephaly syndrome. Identifiers: Orphanet 477814, MedGen C5567650, MONDO:0014714, OMIM 616632.

Allele frequency attached by ClinVar (database versions not stated): gnomAD 0.00001; gnomAD exomes 0.00001; TOPMed 0.00001; ExAC 0.00002.
gnomAD v4.1: 10 of 1,613,836 alleles (0.00062%); highest among the groups gnomAD compares: South Asian, 0.0066%; no homozygotes.

Submission:

Labcorp Genetics (formerly Invitae), Labcorp
Classification: Uncertain significance for Progressive microcephaly-seizures-cortical blindness-developmental delay syndrome; Autosomal dominant nonsyndromic hearing loss 1. Last evaluated: 2024-03-19. Review status: criteria provided, single submitter. Criteria: Invitae Variant Classification Sherloc (09022015). Collection method: clinical testing. Allele origin: germline.
Comment: This sequence change replaces serine, which is neutral and polar, with glycine, which is neutral and non-polar, at codon 578 of the DIAPH1 protein (p.Ser578Gly). This variant is present in population databases (rs762375683, gnomAD 0.006%). This variant has not been reported in the literature in individuals affected with DIAPH1-related conditions. ClinVar contains an entry for this variant (Variation ID: 1045305). Algorithms developed to predict the effect of missense changes on protein structure and function output the following: SIFT: "Not Available"; PolyPhen-2: "Not Available"; Align-GVGD: "Not Available". The glycine amino acid residue is found in multiple mammalian species, which suggests that this missense change does not adversely affect protein function. In summary, the available evidence is currently insufficient to determine the role of this variant in disease. Therefore, it has been classified as a Variant of Uncertain Significance.